The following is an entry in ClinVar:

ClinVar aggregate classification (germline): Uncertain significance (1 of 4 stars; one submission).

Conditions:
Cornelia de Lange syndrome 1 (CDLS1). Also called: TYPUS DEGENERATIVUS AMSTELODAMENSIS; Brachmann de Lange syndrome; NIPBL-Related Cornelia de Lange Syndrome. Identifiers: Orphanet 199, MedGen C4551851, MONDO:0007387, OMIM 122470.

Submission:

Juno Genomics, Hangzhou Juno Genomics, Inc
Classification: Uncertain significance for Cornelia de Lange syndrome 1. Review status: criteria provided, single submitter. Criteria: ACMG Guidelines, 2015. Collection method: clinical testing. Allele origin: germline.
Comment: Absent from controls (or at extremely low frequency if recessive) in Genome Aggregation Database.;Multiple lines of computational evidence support a deleterious effect on the gene or gene product.;Missense variant in a gene that has a low rate of benign missense variation.

NM_133433.4(NIPBL):c.126T>A (p.Phe42Leu)

Gene: NIPBL (NIPBL cohesin loading factor; plus strand). Cytogenetic location: 5p13.2.
Variant type: single nucleotide variant.
Coding change: c.126T>A on transcript NM_133433.4 (MANE Select); coding-DNA position 126, T replaced by A.
Protein change: p.Phe42Leu; replaces phenylalanine 42 with leucine.
Molecular consequence: missense variant.
Genome position (GRCh38, 1-based): chr5:36,955,533, T>A. VCF-style: chr5-36955533-T-A. GRCh37 (hg19) VCF-style: chr5-36955635-T-A.
Other names: c.126T>A, p.Phe42Leu (NM_001438586.1, NM_015384.5); short protein forms F42L.
Identifiers: ClinVar variation 5019854 (VCV005019854.2).
Genomic context (GRCh38, chr5:36,955,533, plus strand): 5'-CCTGAACCAGCTGCCTCTTCCATCTCCTTTACCTGCTACAACTACAAAGAGCCTTCTCTT[T>A]AATGCACGAATAGCAGAAGAGGTGAACTGCCTTTTGGCTTGTAGGGATGACAATTTGGTT-3'
Protein context (NP_597677.2, residues 32-52): LPATTTKSLL[Phe42Leu]NARIAEEVNC